The following is an entry in ClinVar:

ClinVar aggregate classification (germline): Uncertain significance. Review status: criteria provided, multiple submitters, no conflicts (2 of 4 stars). 2 submissions from 2 submitters: Uncertain significance (2). Last evaluated 2024-11-20.

Submissions (2):

Ambry Genetics
Classification: Uncertain significance. Last evaluated: 2024-11-20. Review status: criteria provided, single submitter. Criteria: Ambry Variant Classification Scheme 2023. Collection method: clinical testing. Allele origin: germline.
Comment: The p.F905L variant (also known as c.2715C>G), located in coding exon 13 of the GEN1 gene, results from a C to G substitution at nucleotide position 2715. The phenylalanine at codon 905 is replaced by leucine, an amino acid with highly similar properties. This amino acid position is conserved. In addition, this alteration is predicted to be tolerated by in silico analysis. Based on the available evidence, the clinical significance of this variant remains unclear.

Labcorp Genetics (formerly Invitae), Labcorp
Classification: Uncertain significance. Last evaluated: 2022-02-10. Review status: criteria provided, single submitter. Criteria: Invitae Variant Classification Sherloc (09022015). Collection method: clinical testing. Allele origin: germline.
Comment: This sequence change replaces phenylalanine, which is neutral and non-polar, with leucine, which is neutral and non-polar, at codon 905 of the GEN1 protein (p.Phe905Leu). In summary, the available evidence is currently insufficient to determine the role of this variant in disease. Therefore, it has been classified as a Variant of Uncertain Significance. Algorithms developed to predict the effect of missense changes on protein structure and function output the following: SIFT: "Tolerated"; PolyPhen-2: "Benign"; Align-GVGD: "Class C0". The leucine amino acid residue is found in multiple mammalian species, which suggests that this missense change does not adversely affect protein function. This variant has not been reported in the literature in individuals affected with GEN1-related conditions. This variant is not present in population databases (gnomAD no frequency).

NM_001130009.3(GEN1):c.2715C>G (p.Phe905Leu)

Gene: GEN1 (GEN1 structure-specific endonuclease; plus strand). Cytogenetic location: 2p24.2.
Variant type: single nucleotide variant.
Coding change: c.2715C>G on transcript NM_001130009.3 (MANE Select); coding-DNA position 2715, C replaced by G.
Protein change: p.Phe905Leu; replaces phenylalanine 905 with leucine.
Molecular consequence: missense variant.
Genome position (GRCh38, 1-based): chr2:17,781,927, C>G. VCF-style: chr2-17781927-C-G. GRCh37 (hg19) VCF-style: chr2-17963194-C-G.
Other names: c.2715C>G (NM_001130009.1); c.2715C>G, p.Phe905Leu (NM_182625.5); short protein forms F905L.
Identifiers: ClinVar variation 1399672 (VCV001399672.9), dbSNP rs2125182768, ClinGen allele CA345928667.